The following is an entry in ClinVar:

NM_017845.5(COMMD8):c.364T>G (p.Trp122Gly)

Gene: COMMD8 (COMM domain containing 8; minus strand). Cytogenetic location: 4p12.
Variant type: single nucleotide variant.
Coding change: c.364T>G on transcript NM_017845.5 (MANE Select); coding-DNA position 364, T replaced by G.
Protein change: p.Trp122Gly; replaces tryptophan 122 with glycine.
Molecular consequence: missense variant.
Genome position (GRCh38, 1-based): chr4:47,456,588, A>C on the plus strand (T>G on the coding strand, the complement: COMMD8 is on the minus strand). VCF-style: chr4-47456588-A-C. GRCh37 (hg19) VCF-style: chr4-47458605-A-C.
Other names: c.364T>G, p.Trp122Gly (NM_001329668.2); short protein forms W122G.
Identifiers: ClinVar variation 2559990 (VCV002559990.3), dbSNP rs770725774, ClinGen allele CA2907911.

ClinVar aggregate classification (germline): Uncertain significance. Review status: criteria provided, multiple submitters, no conflicts (2 of 4 stars). 2 submissions from 2 submitters: Uncertain significance (2). Last evaluated 2024-11-27.

Allele frequency attached by ClinVar (database versions not stated): ExAC 0.00002; gnomAD 0.00003; TOPMed 0.00003; gnomAD exomes 0.00006.
gnomAD v4.1: 99 of 1,605,396 alleles (0.0062%); highest among the groups gnomAD compares: Non-Finnish European, 0.0077%; no homozygotes.

Submissions (2):

Molecular Diagnostics Laboratory, M Health Fairview: University of Minnesota
Classification: Uncertain significance. Last evaluated: 2024-11-27. Review status: criteria provided, single submitter. Criteria: ACMG Guidelines, 2015. Collection method: clinical testing. Allele origin: germline. Affected: yes.
Comment: seen in trans with a second COMMD8 variant, c.26T>A

Ambry Genetics
Classification: Uncertain significance. Last evaluated: 2023-06-13. Review status: criteria provided, single submitter. Criteria: Ambry Variant Classification Scheme 2023. Collection method: clinical testing. Allele origin: germline.